The following is an entry in ClinVar:

ClinVar aggregate classification (germline): Uncertain significance. Review status: criteria provided, multiple submitters, no conflicts (2 of 4 stars). 2 submissions from 2 submitters: Uncertain significance (2). Last evaluated 2025-03-13.

Conditions:
Hereditary cancer-predisposing syndrome. Also called: Hereditary neoplastic syndrome; Tumor predisposition; Neoplastic Syndromes, Hereditary; Hereditary Cancer Syndrome. Identifiers: Orphanet 140162, MedGen C0027672, MeSH D009386, MONDO:0015356.
Tuberous sclerosis 1 (TSC1). Identifiers: Orphanet 805, MedGen C1854465, MONDO:0008612, OMIM 191100.

Submissions (2):

Ambry Genetics
Classification: Uncertain significance for Hereditary cancer-predisposing syndrome. Last evaluated: 2025-03-13. Review status: criteria provided, single submitter. Criteria: Ambry Variant Classification Scheme 2023. Collection method: clinical testing. Allele origin: germline.
Comment: The p.H699Q variant (also known as c.2097C>G), located in coding exon 15 of the TSC1 gene, results from a C to G substitution at nucleotide position 2097. The histidine at codon 699 is replaced by glutamine, an amino acid with highly similar properties. This amino acid position is highly conserved in available vertebrate species. In addition, this alteration is predicted to be deleterious by in silico analysis. Based on the available evidence, the clinical significance of this variant remains unclear.

Labcorp Genetics (formerly Invitae), Labcorp
Classification: Uncertain significance for Tuberous sclerosis 1. Last evaluated: 2024-11-28. Review status: criteria provided, single submitter. Criteria: Invitae Variant Classification Sherloc (09022015). Collection method: clinical testing. Allele origin: germline.
Comment: This sequence change replaces histidine, which is basic and polar, with glutamine, which is neutral and polar, at codon 699 of the TSC1 protein (p.His699Gln). This variant is not present in population databases (gnomAD no frequency). This variant has not been reported in the literature in individuals affected with TSC1-related conditions. ClinVar contains an entry for this variant (Variation ID: 2447890). Invitae Evidence Modeling of protein sequence and biophysical properties (such as structural, functional, and spatial information, amino acid conservation, physicochemical variation, residue mobility, and thermodynamic stability) indicates that this missense variant is not expected to disrupt TSC1 protein function with a negative predictive value of 95%. In summary, the available evidence is currently insufficient to determine the role of this variant in disease. Therefore, it has been classified as a Variant of Uncertain Significance.

NM_000368.5(TSC1):c.2097C>G (p.His699Gln)

Gene: TSC1 (TSC complex subunit 1; minus strand). Cytogenetic location: 9q34.13.
Variant type: single nucleotide variant.
Coding change: c.2097C>G on transcript NM_000368.5 (MANE Select); coding-DNA position 2097, C replaced by G.
Protein change: p.His699Gln; replaces histidine 699 with glutamine.
Molecular consequence: missense variant. On other transcripts: non-coding transcript variant (4).
Genome position (GRCh38, 1-based): chr9:132,903,762, G>C on the plus strand (C>G on the coding strand, the complement: TSC1 is on the minus strand). VCF-style: chr9-132903762-G-C. GRCh37 (hg19) VCF-style: chr9-135779149-G-C.
Other names: c.2094C>G, p.His698Gln (NM_001406598.1, NM_001406599.1, NM_001406600.1 and 4 more transcripts); c.2082C>G, p.His694Gln (NM_001406601.1, NM_001406602.1); c.2079C>G, p.His693Gln (NM_001406603.1, NM_001406604.1); c.2097C>G, p.His699Gln (NM_001406605.1, NM_001406606.1, NM_001406607.1 and 5 more transcripts); c.1146C>G, p.His382Gln (NM_001406626.1); c.1734C>G, p.His578Gln (NM_001406618.1, NM_001406619.1, NM_001406617.1 and 5 more transcripts); c.1731C>G, p.His577Gln (NM_001406620.1, NM_001406621.1, NM_001406622.1 and 2 more transcripts); c.1944C>G, p.His648Gln (NM_001162427.2, NM_001406610.1); and 3 more; short protein forms H577Q, H693Q, H348Q, H381Q, H382Q, H647Q, H698Q, H648Q.
Identifiers: ClinVar variation 2447890 (VCV002447890.5), dbSNP rs1554815319, ClinGen allele CA375361063.
Genomic context (GRCh38, chr9:132,903,762, plus strand): 5'-GAGCCGCCTGTTCCGGAGGGCATGCTGCTGCCTCTTAAAACGCTCATAGAGTAACTGGTT[G>C]TGCAGTAAAAGCAACTGGTCTCGGAGGGTGCGGATCTCATCTGAAGGAGGAGAGCCTGAT-3'
Protein context (NP_000359.1, residues 689-709): RTLRDQLLLL[His699Gln]NQLLYERFKR